The following is an entry in ClinVar:

NM_182943.3(PLOD2):c.872C>T (p.Ala291Val)

Gene: PLOD2 (procollagen-lysine,2-oxoglutarate 5-dioxygenase 2; minus strand). Cytogenetic location: 3q24.
Variant type: single nucleotide variant.
Coding change: c.872C>T on transcript NM_182943.3 (MANE Select); coding-DNA position 872, C replaced by T.
Protein change: p.Ala291Val; replaces alanine 291 with valine.
Molecular consequence: missense variant.
Genome position (GRCh38, 1-based): chr3:146,091,807, G>A on the plus strand (C>T on the coding strand, the complement: PLOD2 is on the minus strand). VCF-style: chr3-146091807-G-A. GRCh37 (hg19) VCF-style: chr3-145809594-G-A.
Other names: c.872C>T, p.Ala291Val (NM_000935.3); short protein forms A291V.
Identifiers: ClinVar variation 1944159 (VCV001944159.3), dbSNP rs748996197, ClinGen allele CA2655101.
Genomic context (GRCh38, chr3:146,091,807, plus strand): 5'-CATGACAATGTACTTTCTATTACTACATTTCACACATAATCAATTCCACTTACATCTACT[G>A]CAGACAAGTCGACTGTATCGAATTCACAAAGAGTGCAGCCATTATCCTGTGTCCATGAAT-3'
Protein context (NP_891988.1, residues 281-301): LCEFDTVDLS[Ala291Val]VDVHPNVSIG

ClinVar aggregate classification (germline): Uncertain significance (1 of 4 stars; one submission).

Allele frequency attached by ClinVar (database versions not stated): ExAC 0.00001; gnomAD 0.00001; gnomAD exomes 0.00002; TOPMed 0.00002.
gnomAD v4.1: 27 of 1,555,764 alleles (0.0017%); highest among the groups gnomAD compares: Non-Finnish European, 0.0022%; no homozygotes.

Submission:

Labcorp Genetics (formerly Invitae), Labcorp
Classification: Uncertain significance. Last evaluated: 2026-01-09. Review status: criteria provided, single submitter. Criteria: Invitae Variant Classification Sherloc (09022015). Collection method: clinical testing. Allele origin: germline.
Comment: This sequence change replaces alanine, which is neutral and non-polar, with valine, which is neutral and non-polar, at codon 291 of the PLOD2 protein (p.Ala291Val). This variant is present in population databases (rs748996197, gnomAD 0.0009%). This variant has not been reported in the literature in individuals affected with PLOD2-related conditions. ClinVar contains an entry for this variant (Variation ID: 1944159). An algorithm developed to predict the effect of missense changes on protein structure and function (PolyPhen-2) suggests that this variant is likely to be tolerated. In summary, the available evidence is currently insufficient to determine the role of this variant in disease. Therefore, it has been classified as a Variant of Uncertain Significance.